The following is an entry in ClinVar:

NM_015541.3(LRIG1):c.2869G>A (p.Ala957Thr)

Gene: LRIG1 (leucine rich repeats and immunoglobulin like domains 1; minus strand). Cytogenetic location: 3p14.1.
Variant type: single nucleotide variant.
Coding change: c.2869G>A on transcript NM_015541.3 (MANE Select); coding-DNA position 2869, G replaced by A.
Protein change: p.Ala957Thr; replaces alanine 957 with threonine.
Molecular consequence: missense variant.
Genome position (GRCh38, 1-based): chr3:66,380,763, C>T on the plus strand (G>A on the coding strand, the complement: LRIG1 is on the minus strand). VCF-style: chr3-66380763-C-T. GRCh37 (hg19) VCF-style: chr3-66431187-C-T.
Other names: c.2794G>A, p.Ala932Thr (NM_001377344.1); c.2089G>A, p.Ala697Thr (NM_001377345.1, NM_001377346.1); c.1867G>A, p.Ala623Thr (NM_001377347.1); c.1840G>A, p.Ala614Thr (NM_001377348.1); c.1585G>A, p.Ala529Thr (NM_001377349.1); short protein forms A529T, A614T, A623T, A697T, A932T, A957T.
Identifiers: ClinVar variation 3055912 (VCV003055912.2), dbSNP rs332373, ClinGen allele CA2484129.

ClinVar aggregate classification (germline): Benign (0 of 4 stars; one submission).

Conditions:
LRIG1-related disorder. Also called: LRIG1-related condition.

Allele frequency attached by ClinVar (database versions not stated): gnomAD exomes 0.04255; ExAC 0.05486; 1000 Genomes Project 0.07188; 1000 Genomes Project 30x 0.07448; gnomAD 0.07996; TOPMed 0.08212; ESP Exome Variant Server 0.08227.
gnomAD v4.1: 74,563 of 1,614,116 alleles (4.6%); highest among the groups gnomAD compares: African/African-American, 16%; 2,594 homozygotes.

Submission:

PreventionGenetics, part of Exact Sciences
Classification: Benign for LRIG1-related condition. Last evaluated: 2019-11-06. Review status: no assertion criteria provided. Collection method: clinical testing. Allele origin: germline.
Comment: This variant is classified as benign based on ACMG/AMP sequence variant interpretation guidelines (Richards et al. 2015 PMID: 25741868, with internal and published modifications).